The following is an entry in ClinVar:

ClinVar aggregate classification (germline): Uncertain significance. Review status: criteria provided, multiple submitters, no conflicts (2 of 4 stars). 3 submissions from 3 submitters: Uncertain significance (3). Last evaluated 2026-07-10.

Conditions:
Cardiovascular phenotype. Identifiers: MedGen CN230736.
Dilated cardiomyopathy 1JJ (CMD1JJ). Identifiers: Orphanet 154, MedGen C3808935, MONDO:0014095, OMIM 615235.

Allele frequency attached by ClinVar (database versions not stated): gnomAD exomes 0.00001 and 0.00004; gnomAD 0.00002; ExAC 0.00007; TOPMed below 0.00001.
gnomAD v4.1: 20 of 1,609,742 alleles (0.0012%); highest among the groups gnomAD compares: South Asian, 0.021%; no homozygotes.

Submissions (3):

Ambry Genetics
Classification: Uncertain significance for Cardiovascular phenotype. Last evaluated: 2026-07-10. Review status: criteria provided, single submitter. Criteria: Ambry Variant Classification Scheme 2023. Collection method: clinical testing. Allele origin: germline.
Comment: The p.D1139G variant (also known as c.3416A>G), located in coding exon 25 of the LAMA4 gene, results from an A to G substitution at nucleotide position 3416. The aspartic acid at codon 1139 is replaced by glycine, an amino acid with similar properties. This amino acid position is conserved. In addition, this alteration is predicted to be tolerated by in silico analysis. Based on the available evidence, the clinical significance of this variant remains unclear.

GeneDx
Classification: Uncertain significance. Last evaluated: 2022-07-12. Review status: criteria provided, single submitter. Criteria: GeneDx Variant Classification Process June 2021. Collection method: clinical testing. Allele origin: germline. Affected: yes.
Comment: Has not been previously published as pathogenic or benign to our knowledge; In silico analysis supports that this missense variant does not alter protein structure/function

Labcorp Genetics (formerly Invitae), Labcorp
Classification: Uncertain significance for Dilated cardiomyopathy 1JJ. Last evaluated: 2022-06-28. Review status: criteria provided, single submitter. Criteria: Invitae Variant Classification Sherloc (09022015). Collection method: clinical testing. Allele origin: germline.
Comment: In summary, the available evidence is currently insufficient to determine the role of this variant in disease. Therefore, it has been classified as a Variant of Uncertain Significance. Algorithms developed to predict the effect of sequence changes on RNA splicing suggest that this variant may create or strengthen a splice site. Algorithms developed to predict the effect of missense changes on protein structure and function are either unavailable or do not agree on the potential impact of this missense change (SIFT: "Tolerated"; PolyPhen-2: "Possibly Damaging"; Align-GVGD: "Class C0"). This variant has not been reported in the literature in individuals affected with LAMA4-related conditions. This variant is present in population databases (rs781842093, gnomAD 0.02%). This sequence change replaces aspartic acid, which is acidic and polar, with glycine, which is neutral and non-polar, at codon 1139 of the LAMA4 protein (p.Asp1139Gly).

NM_001105206.3(LAMA4):c.3437A>G (p.Asp1146Gly)

Gene: LAMA4 (laminin subunit alpha 4; minus strand). Cytogenetic location: 6q21.
Variant type: single nucleotide variant.
Coding change: c.3437A>G on transcript NM_001105206.3 (MANE Select); coding-DNA position 3437, A replaced by G.
Protein change: p.Asp1146Gly; replaces aspartic acid 1146 with glycine.
Molecular consequence: missense variant.
Genome position (GRCh38, 1-based): chr6:112,134,587, T>C on the plus strand (A>G on the coding strand, the complement: LAMA4 is on the minus strand). VCF-style: chr6-112134587-T-C. GRCh37 (hg19) VCF-style: chr6-112455789-T-C.
Other names: c.3416A>G, p.Asp1139Gly (NM_001105207.3, NM_002290.5); short protein forms D1139G, D1146G.
Identifiers: ClinVar variation 1697998 (VCV001697998.8), dbSNP rs781842093, ClinGen allele CA3965205.